The following is an entry in ClinVar:

NM_015450.3(POT1):c.476T>C (p.Met159Thr)

Gene: POT1 (protection of telomeres 1; minus strand). Cytogenetic location: 7q31.33.
Variant type: single nucleotide variant.
Coding change: c.476T>C on transcript NM_015450.3 (MANE Select); coding-DNA position 476, T replaced by C.
Protein change: p.Met159Thr; replaces methionine 159 with threonine.
Molecular consequence: missense variant. On other transcripts: non-coding transcript variant (3).
Genome position (GRCh38, 1-based): chr7:124,863,420, A>G on the plus strand (T>C on the coding strand, the complement: POT1 is on the minus strand). VCF-style: chr7-124863420-A-G. GRCh37 (hg19) VCF-style: chr7-124503474-A-G.
Other names: c.83T>C, p.Met28Thr (NM_001042594.2); c.476T>C (NM_015450.2); short protein forms M28T, M159T.
Identifiers: ClinVar variation 2811894 (VCV002811894.4), dbSNP rs2485479800, ClinGen allele CA369059024.

ClinVar aggregate classification (germline): Uncertain significance. Review status: criteria provided, multiple submitters, no conflicts (2 of 4 stars). 2 submissions from 2 submitters: Uncertain significance (2). Last evaluated 2025-12-29.

Conditions:
Tumor predisposition syndrome 3 (TPDS3). Also called: Melanoma, cutaneous malignant, susceptibility to, 10; LONG TELOMERE SYNDROME, POT1-RELATED; POT1 Tumor Predisposition; Glioma susceptibility 9. Identifiers: Orphanet 618, MedGen C4014476, MONDO:0014368, OMIM 615848.
Hereditary cancer-predisposing syndrome. Also called: Neoplastic Syndromes, Hereditary; Hereditary neoplastic syndrome; Hereditary Cancer Syndrome; Tumor predisposition. Identifiers: Orphanet 140162, MedGen C0027672, MeSH D009386, MONDO:0015356.

Submissions (2):

Ambry Genetics
Classification: Uncertain significance for Hereditary cancer-predisposing syndrome. Last evaluated: 2025-12-29. Review status: criteria provided, single submitter. Criteria: Ambry Variant Classification Scheme 2023. Collection method: clinical testing. Allele origin: germline.
Comment: The p.M159T variant (also known as c.476T>C), located in coding exon 4 of the POT1 gene, results from a T to C substitution at nucleotide position 476. The methionine at codon 159 is replaced by threonine, an amino acid with similar properties. This amino acid position is conserved. In addition, this alteration is predicted to be tolerated by in silico analysis. Based on the available evidence, the clinical significance of this variant remains unclear.

Labcorp Genetics (formerly Invitae), Labcorp
Classification: Uncertain significance for Tumor predisposition syndrome 3. Last evaluated: 2022-11-04. Review status: criteria provided, single submitter. Criteria: Invitae Variant Classification Sherloc (09022015). Collection method: clinical testing. Allele origin: germline.
Comment: This sequence change replaces methionine, which is neutral and non-polar, with threonine, which is neutral and polar, at codon 159 of the POT1 protein (p.Met159Thr). This variant is not present in population databases (gnomAD no frequency). This variant has not been reported in the literature in individuals affected with POT1-related conditions. Advanced modeling of protein sequence and biophysical properties (such as structural, functional, and spatial information, amino acid conservation, physicochemical variation, residue mobility, and thermodynamic stability) performed at Invitae indicates that this missense variant is not expected to disrupt POT1 protein function. In summary, the available evidence is currently insufficient to determine the role of this variant in disease. Therefore, it has been classified as a Variant of Uncertain Significance.